The following is an entry in ClinVar:

ClinVar aggregate classification (germline): Benign/Likely benign. Review status: criteria provided, multiple submitters, no conflicts (2 of 4 stars). 13 submissions from 13 submitters: Benign (5); Likely benign (4). 4 of the submissions do not count toward it. Last evaluated 2026-02-01.

Conditions:
Retinal dystrophy. Also called: Inherited retinal dystrophy. Identifiers: Orphanet 71862, MedGen C0854723, MeSH D058499, MONDO:0019118, HP:0000556.
Leber congenital amaurosis 6 (LCA6). Identifiers: Orphanet 65, MedGen C1854260, MONDO:0013446, OMIM 613826.
Cone-rod dystrophy 13 (CORD13). Identifiers: Orphanet 1872, MedGen C2750720, MONDO:0011987, OMIM 608194.

Allele frequency attached by ClinVar (database versions not stated): gnomAD exomes 0.00431 and 0.00836; ExAC 0.00914; gnomAD 0.02500 and 0.02649; TOPMed 0.02771; 1000 Genomes Project 0.02815; 1000 Genomes Project 30x 0.02998.

Submissions (13):

Labcorp Genetics (formerly Invitae), Labcorp
Classification: Benign for Leber congenital amaurosis 6; Cone-rod dystrophy 13. Last evaluated: 2026-02-01. Review status: criteria provided, single submitter. Criteria: Invitae Variant Classification Sherloc (09022015). Collection method: clinical testing. Allele origin: germline.

ARUP Laboratories, Molecular Genetics and Genomics, ARUP Laboratories
Classification: Benign. Last evaluated: 2023-11-29. Review status: criteria provided, single submitter. Criteria: ARUP Molecular Germline Variant Investigation Process 2024. Collection method: clinical testing. Allele origin: germline.

Department of Pathology and Laboratory Medicine, Sinai Health System
Classification: Benign for Cone-rod dystrophy 13; Leber congenital amaurosis 6. Last evaluated: 2023-02-06. Review status: criteria provided, single submitter. Criteria: ACMG Guidelines, 2015. Collection method: research. Allele origin: germline.

Women's Health and Genetics/Laboratory Corporation of America, LabCorp
Classification: Likely benign. Last evaluated: 2021-12-10. Review status: criteria provided, single submitter. Criteria: LabCorp Variant Classification Summary - May 2015. Collection method: clinical testing. Allele origin: germline.

GeneDx
Classification: Benign. Last evaluated: 2021-01-27. Review status: criteria provided, single submitter. Criteria: GeneDx Variant Classification Process June 2021. Collection method: clinical testing. Allele origin: germline. Affected: yes.
Comment: This variant is associated with the following publications: (PMID: 20981092, 27884173, 15800011, 11528500, 16272259, 29343940)

Illumina Laboratory Services, Illumina
Classification: Likely benign for Leber congenital amaurosis 6. Last evaluated: 2017-04-27. Review status: criteria provided, single submitter. Criteria: ICSL Variant Classification Criteria 13 December 2019. Collection method: clinical testing. Allele origin: germline.
Comment: This variant was observed as part of a predisposition screen in an ostensibly healthy population. A literature search was performed for the gene, cDNA change, and amino acid change (where applicable). Publications were found based on this search. The evidence from the literature, in combination with allele frequency data from public databases where available, was sufficient to determine this variant is unlikely to cause disease. Therefore, this variant is classified as likely benign.

Eurofins Ntd Llc (ga)
Classification: Benign. Last evaluated: 2015-02-19. Review status: criteria provided, single submitter. Criteria: EGL Classification Definitions 2015. Collection method: clinical testing. Allele origin: germline. Observed: 1 variant allele, 1 heterozygote.

Institute of Human Genetics, Univ. Regensburg, Univ. Regensburg
Classification: Likely benign for Retinal dystrophy. Last evaluated: 2011-01-01. Review status: criteria provided, single submitter. Criteria: ACMG Guidelines, 2015. Collection method: clinical testing. Allele origin: germline. Affected: yes.

Breakthrough Genomics
Classification: Likely benign. Review status: criteria provided, single submitter. Criteria: ACMG Guidelines, 2015. Collection method: not provided. Allele origin: germline. Inheritance: Autosomal recessive inheritance. Affected: yes.

OMIM
Classification: Pathogenic for LEBER CONGENITAL AMAUROSIS 6. Last evaluated: 2005-05-15. Review status: no assertion criteria provided. Collection method: literature only. Allele origin: germline. Not counted in ClinVar's aggregate classification.

Clinical Genetics DNA and cytogenetics Diagnostics Lab, Erasmus MC, Erasmus Medical Center
Classification: Benign. Review status: no assertion criteria provided. Collection method: clinical testing. Allele origin: germline. Affected: yes. Study: VKGL Data-share Consensus. Not counted in ClinVar's aggregate classification.

Clinical Genetics, Academic Medical Center
Classification: Benign. Review status: no assertion criteria provided. Collection method: clinical testing. Allele origin: germline. Affected: yes. Study: VKGL Data-share Consensus. Not counted in ClinVar's aggregate classification.

Genome Diagnostics Laboratory, University Medical Center Utrecht
Classification: Benign. Review status: no assertion criteria provided. Collection method: clinical testing. Allele origin: germline. Affected: yes. Study: VKGL Data-share Consensus. Not counted in ClinVar's aggregate classification.

Literature cited by the submitters: PubMed 11528500 (cited by 3 submitters); PubMed 15800011 (cited by 3 submitters); PubMed 21153841 (cited by Illumina Laboratory Services, Illumina); PubMed 16272259 (cited by Institute of Human Genetics, Univ. Regensburg, Univ. Regensburg); PubMed 20981092 (cited by Institute of Human Genetics, Univ. Regensburg, Univ. Regensburg); PubMed 27884173 (cited by Institute of Human Genetics, Univ. Regensburg, Univ. Regensburg).

NM_020366.4(RPGRIP1):c.3341A>G (p.Asp1114Gly)

Gene: RPGRIP1 (RPGR interacting protein 1; plus strand). Cytogenetic location: 14q11.2.
Variant type: single nucleotide variant.
Coding change: c.3341A>G on transcript NM_020366.4 (MANE Select); coding-DNA position 3341, A replaced by G.
Protein change: p.Asp1114Gly; replaces aspartic acid 1114 with glycine.
Molecular consequence: missense variant.
Genome position (GRCh38, 1-based): chr14:21,343,037, A>G. VCF-style: chr14-21343037-A-G. GRCh37 (hg19) VCF-style: chr14-21811196-A-G.
Other names: c.1319A>G, p.Asp440Gly (NM_001377523.1, NM_001377950.1); c.2267A>G, p.Asp756Gly (NM_001377948.1); c.1427A>G, p.Asp476Gly (NM_001377949.1); c.824A>G, p.Asp275Gly (NM_001377951.1); short protein forms D1114G, D275G, D440G, D476G, D756G.
Identifiers: ClinVar variation 4988 (VCV000004988.34), dbSNP rs17103671, ClinGen allele CA117160.